The following is an entry in ClinVar:

ClinVar aggregate classification (germline): Uncertain significance (1 of 4 stars; one submission).

gnomAD v4.1: 1 of 1,613,982 alleles (0.000062%); highest among the groups gnomAD compares: Non-Finnish European, 0.000085%; no homozygotes.

Submission:

Labcorp Genetics (formerly Invitae), Labcorp
Classification: Uncertain significance. Last evaluated: 2024-11-19. Review status: criteria provided, single submitter. Criteria: Invitae Variant Classification Sherloc (09022015). Collection method: clinical testing. Allele origin: germline.
Comment: This sequence change replaces aspartic acid, which is acidic and polar, with alanine, which is neutral and non-polar, at codon 832 of the MSH3 protein (p.Asp832Ala). This variant is not present in population databases (gnomAD no frequency). This variant has not been reported in the literature in individuals affected with MSH3-related conditions. An algorithm developed to predict the effect of missense changes on protein structure and function (PolyPhen-2) suggests that this variant is likely to be disruptive. In summary, the available evidence is currently insufficient to determine the role of this variant in disease. Therefore, it has been classified as a Variant of Uncertain Significance.

NM_002439.5(MSH3):c.2495A>C (p.Asp832Ala)

Gene: MSH3 (mutS homolog 3; plus strand). Cytogenetic location: 5q14.1.
Variant type: single nucleotide variant.
Coding change: c.2495A>C on transcript NM_002439.5 (MANE Select); coding-DNA position 2495, A replaced by C.
Protein change: p.Asp832Ala; replaces aspartic acid 832 with alanine.
Molecular consequence: missense variant.
Genome position (GRCh38, 1-based): chr5:80,787,624, A>C. VCF-style: chr5-80787624-A-C. GRCh37 (hg19) VCF-style: chr5-80083443-A-C.
Other names: short protein forms D832A.
Identifiers: ClinVar variation 3725629 (VCV003725629.2).